The following is an entry in ClinVar:

NM_001130438.3(SPTAN1):c.1463C>T (p.Ala488Val)

Gene: SPTAN1 (spectrin alpha, non-erythrocytic 1; plus strand). Cytogenetic location: 9q34.11.
Variant type: single nucleotide variant.
Coding change: c.1463C>T on transcript NM_001130438.3 (MANE Select); coding-DNA position 1463, C replaced by T.
Protein change: p.Ala488Val; replaces alanine 488 with valine.
Molecular consequence: missense variant.
Genome position (GRCh38, 1-based): chr9:128,581,783, C>T. VCF-style: chr9-128581783-C-T. GRCh37 (hg19) VCF-style: chr9-131344062-C-T.
Other names: c.1463C>T (NM_001130438.2); c.1463C>T, p.Ala488Val (NM_001195532.2, NM_001363759.2, NM_001363765.2 and 5 more transcripts); c.1499C>T, p.Ala500Val (NM_001375312.2, NM_001375318.1); short protein forms A488V, A500V.
Identifiers: ClinVar variation 1690566 (VCV001690566.7), dbSNP rs1851980146, ClinGen allele CA375054044.
Genomic context (GRCh38, chr9:128,581,783, plus strand): 5'-AGTCTTAGAAGATCAAAGGAATAGGACATTATTCTGAACACTTTGTTTCCTTTGGCAAGG[C>T]GTTCCTGTTGAATGAAGACTTGGGAGATTCCTTGGATAGTGTGGAAGCGCTTCTTAAGAA-3'
Protein context (NP_001123910.1, residues 478-498): QVDNWMSKQE[Ala488Val]FLLNEDLGDS

ClinVar aggregate classification (germline): Uncertain significance. Review status: criteria provided, multiple submitters, no conflicts (2 of 4 stars). 4 submissions from 4 submitters: Uncertain significance (4). Last evaluated 2024-02-16.

Conditions:
Inborn genetic diseases. Identifiers: MedGen C0950123, MeSH D030342.
Early-infantile DEE. Also called: Early infantile epileptic encephalopathy with suppression bursts; Early infantile epileptic encephalopathy; Ohtahara syndrome. Identifiers: Orphanet 1934, MedGen C0393706, MONDO:0800491.

Allele frequency attached by ClinVar (database versions not stated): gnomAD exomes below 0.00001.
gnomAD v4.1: 2 of 1,611,370 alleles (0.00012%); highest among the groups gnomAD compares: Non-Finnish European, 0.000085%; no homozygotes.

Submissions (4):

Labcorp Genetics (formerly Invitae), Labcorp
Classification: Uncertain significance for Early-infantile DEE. Last evaluated: 2024-02-16. Review status: criteria provided, single submitter. Criteria: Invitae Variant Classification Sherloc (09022015). Collection method: clinical testing. Allele origin: germline.
Comment: This sequence change replaces alanine, which is neutral and non-polar, with valine, which is neutral and non-polar, at codon 488 of the SPTAN1 protein (p.Ala488Val). This variant is not present in population databases (gnomAD no frequency). This variant has not been reported in the literature in individuals affected with SPTAN1-related conditions. ClinVar contains an entry for this variant (Variation ID: 1690566). An algorithm developed to predict the effect of missense changes on protein structure and function (PolyPhen-2) suggests that this variant is likely to be disruptive. In summary, the available evidence is currently insufficient to determine the role of this variant in disease. Therefore, it has been classified as a Variant of Uncertain Significance.

Ambry Genetics
Classification: Uncertain significance for Inborn genetic diseases. Last evaluated: 2023-09-26. Review status: criteria provided, single submitter. Criteria: Ambry Variant Classification Scheme 2023. Collection method: clinical testing. Allele origin: germline.

GeneDx
Classification: Uncertain significance. Last evaluated: 2023-01-11. Review status: criteria provided, single submitter. Criteria: GeneDx Variant Classification Process June 2021. Collection method: clinical testing. Allele origin: germline. Affected: yes.
Comment: Not observed at significant frequency in large population cohorts (gnomAD); In silico analysis supports that this missense variant has a deleterious effect on protein structure/function; Missense variant in a gene in which most reported pathogenic variants are truncating/loss of function; Has not been previously published as pathogenic or benign to our knowledge

Laboratorio de Genetica e Diagnostico Molecular, Hospital Israelita Albert Einstein
Classification: Uncertain significance. Last evaluated: 2021-02-18. Review status: criteria provided, single submitter. Criteria: ACMG Guidelines, 2015. Collection method: clinical testing. Allele origin: germline. Affected: yes.
Comment: ACMG classification criteria: PM2, BP4